The following is an entry in ClinVar:

NM_000051.4(ATM):c.6981_6982dup (p.Pro2328fs)

Genes: C11orf65 (chromosome 11 open reading frame 65; minus strand), ATM (ATM serine/threonine kinase; plus strand). Cytogenetic location: 11q22.3.
Variant type: Duplication.
Coding change: c.6981_6982dup on transcript NM_000051.4 (MANE Select); coding-DNA positions 6981 to 6982, 2 bases duplicated (TC; older notation c.6981_6982dupTC).
Protein change: p.Pro2328fs; shifts the reading frame from proline 2328.
Molecular consequence: frameshift variant. On other transcripts: intron variant (2).
Genome position (GRCh38, 1-based): chr11:108,327,650-108,327,651, TC duplicated. VCF-style (leftmost placement, unchanged base first): chr11-108327649-A-ATC. GRCh37 (hg19) VCF-style: chr11-108198376-A-ATC.
Other names: c.6981_6982dup, p.Pro2328fs (NM_001351834.2); c.641-18580_641-18579dup (NM_001330368.2); c.*38+7569_*38+7570dup (NM_001351110.2); short protein forms P2328fs.
Identifiers: ClinVar variation 3657593 (VCV003657593.2).

ClinVar aggregate classification (germline): Pathogenic (1 of 4 stars; one submission).

Conditions:
Ataxia-telangiectasia syndrome (AT). Also called: Ataxia-telangiectasia, complementation group D; AT, COMPLEMENTATION GROUP C; ATAXIA-TELANGIECTASIA, COMPLEMENTATION GROUP A; ATAXIA-TELANGIECTASIA, FRESNO VARIANT; Ataxia-telangiectasia; Ataxia-telangiectasia, complementation group E. Identifiers: Orphanet 100, MedGen C0004135, MONDO:0008840, OMIM 208900.

Submission:

Labcorp Genetics (formerly Invitae), Labcorp
Classification: Pathogenic for Ataxia-telangiectasia syndrome. Last evaluated: 2024-06-24. Review status: criteria provided, single submitter. Criteria: Invitae Variant Classification Sherloc (09022015). Collection method: clinical testing. Allele origin: germline.
Comment: This sequence change creates a premature translational stop signal (p.Pro2328Leufs*4) in the ATM gene. It is expected to result in an absent or disrupted protein product. Loss-of-function variants in ATM are known to be pathogenic (PMID: 23807571, 25614872). This variant is not present in population databases (gnomAD no frequency). This variant has not been reported in the literature in individuals affected with ATM-related conditions. For these reasons, this variant has been classified as Pathogenic.

Literature cited by the submitters: PubMed 23807571; PubMed 25614872.